The following is an entry in ClinVar:

NM_001942.4(DSG1):c.2342A>G (p.Glu781Gly)

Genes: DSG1 (desmoglein 1; plus strand), DSG1-AS1 (DSG1 antisense RNA 1; minus strand), LOC126862720 (MED14-independent group 3 enhancer GRCh37_chr18:28933613-28934812; plus strand). Cytogenetic location: 18q12.1.
Variant type: single nucleotide variant.
Coding change: c.2342A>G on transcript NM_001942.4 (MANE Select); coding-DNA position 2342, A replaced by G.
Protein change: p.Glu781Gly; replaces glutamic acid 781 with glycine.
Molecular consequence: missense variant.
Genome position (GRCh38, 1-based): chr18:31,354,538, A>G. VCF-style: chr18-31354538-A-G. GRCh37 (hg19) VCF-style: chr18-28934501-A-G.
Other names: short protein forms E781G.
Identifiers: ClinVar variation 2809004 (VCV002809004.3), dbSNP rs2510845619, ClinGen allele CA402122270.

ClinVar aggregate classification (germline): Uncertain significance (1 of 4 stars; one submission).

Submission:

Labcorp Genetics (formerly Invitae), Labcorp
Classification: Uncertain significance. Last evaluated: 2022-10-19. Review status: criteria provided, single submitter. Criteria: Invitae Variant Classification Sherloc (09022015). Collection method: clinical testing. Allele origin: germline.
Comment: In summary, the available evidence is currently insufficient to determine the role of this variant in disease. Therefore, it has been classified as a Variant of Uncertain Significance. Advanced modeling of protein sequence and biophysical properties (such as structural, functional, and spatial information, amino acid conservation, physicochemical variation, residue mobility, and thermodynamic stability) performed at Invitae indicates that this missense variant is not expected to disrupt DSG1 protein function. This variant has not been reported in the literature in individuals affected with DSG1-related conditions. This variant is not present in population databases (gnomAD no frequency). This sequence change replaces glutamic acid, which is acidic and polar, with glycine, which is neutral and non-polar, at codon 781 of the DSG1 protein (p.Glu781Gly).